The following is an entry in ClinVar:

NM_001184.4(ATR):c.1359T>G (p.His453Gln)

Gene: ATR (ATR checkpoint kinase; minus strand). Cytogenetic location: 3q23.
Variant type: single nucleotide variant.
Coding change: c.1359T>G on transcript NM_001184.4 (MANE Select); coding-DNA position 1359, T replaced by G.
Protein change: p.His453Gln; replaces histidine 453 with glutamine.
Molecular consequence: missense variant. On other transcripts: intron variant (1).
Genome position (GRCh38, 1-based): chr3:142,560,445, A>C on the plus strand (T>G on the coding strand, the complement: ATR is on the minus strand). VCF-style: chr3-142560445-A-C. GRCh37 (hg19) VCF-style: chr3-142279287-A-C.
Other names: c.1349+798T>G (NM_001354579.2); short protein forms H453Q.
Identifiers: ClinVar variation 845385 (VCV000845385.21), dbSNP rs202239914, ClinGen allele CA2650610.

ClinVar aggregate classification (germline): Conflicting classifications of pathogenicity. Review status: criteria provided, conflicting classifications (1 of 4 stars). 5 submissions from 4 submitters: Uncertain significance (4); Likely benign (1). Last evaluated 2025-07-01.

Conditions:
Seckel syndrome 1 (SCKL1). Also called: MICROCEPHALIC PRIMORDIAL DWARFISM I. Identifiers: Orphanet 808, MedGen C4551474, MONDO:0008869, OMIM 210600.
Familial cutaneous telangiectasia and oropharyngeal predisposition cancer syndrome. Identifiers: Orphanet 313846, MedGen C3281203, MONDO:0013806, OMIM 614564.

Allele frequency attached by ClinVar (database versions not stated): ExAC 0.00002; TOPMed 0.00003; gnomAD exomes 0.00006; gnomAD 0.00007 and 0.00008; ESP Exome Variant Server 0.00008.
gnomAD v4.1: 67 of 1,609,080 alleles (0.0042%); highest among the groups gnomAD compares: Admixed American, 0.017%; no homozygotes.

Submissions (5):

CeGaT Center for Human Genetics Tuebingen
Classification: Likely benign. Last evaluated: 2025-07-01. Review status: criteria provided, single submitter. Criteria: CeGaT Center For Human Genetics Tuebingen Variant Classification Criteria Version 2. Collection method: clinical testing. Allele origin: germline. Affected: yes. Observed: 2 variant alleles.
Comment: ATR: BP4

Labcorp Genetics (formerly Invitae), Labcorp
Classification: Uncertain significance. Last evaluated: 2025-01-19. Review status: criteria provided, single submitter. Criteria: Invitae Variant Classification Sherloc (09022015). Collection method: clinical testing. Allele origin: germline.
Comment: This sequence change replaces histidine, which is basic and polar, with glutamine, which is neutral and polar, at codon 453 of the ATR protein (p.His453Gln). This variant is present in population databases (rs202239914, gnomAD 0.009%). This missense change has been observed in individual(s) with pulmonary fibrosis and bone marrow failure (PMID: 30995915). ClinVar contains an entry for this variant (Variation ID: 845385). An algorithm developed to predict the effect of missense changes on protein structure and function (PolyPhen-2) suggests that this variant¬†is likely to be tolerated. In summary, the available evidence is currently insufficient to determine the role of this variant in disease. Therefore, it has been classified as a Variant of Uncertain Significance.

GeneDx
Classification: Uncertain significance. Last evaluated: 2023-12-18. Review status: criteria provided, single submitter. Criteria: GeneDx Variant Classification Process June 2021. Collection method: clinical testing. Allele origin: germline.
Comment: Reported previously in a patient with pulmonary fibrosis and bone marrow failure; however, variants in two other genes were also identified and no segregation information was provided (PMID: 30995915); Not observed at significant frequency in large population cohorts (gnomAD); In silico analysis supports that this missense variant does not alter protein structure/function; This variant is associated with the following publications: (PMID: 30995915)

Genome-Nilou Lab
Classification: Uncertain significance for Seckel syndrome 1. Last evaluated: 2023-02-08. Review status: criteria provided, single submitter. Criteria: ACMG Guidelines, 2015. Collection method: clinical testing. Allele origin: germline.

Genome-Nilou Lab
Classification: Uncertain significance for Familial cutaneous telangiectasia and oropharyngeal predisposition cancer syndrome. Last evaluated: 2023-02-08. Review status: criteria provided, single submitter. Criteria: ACMG Guidelines, 2015. Collection method: clinical testing. Allele origin: germline.

Literature cited by the submitters: PubMed 30995915 (cited by Labcorp Genetics (formerly Invitae), Labcorp).